The following is an entry in ClinVar:

NM_031407.7(HUWE1):c.2929A>G (p.Lys977Glu)

Gene: HUWE1 (HECT, UBA and WWE domain containing E3 ubiquitin protein ligase 1; minus strand). Cytogenetic location: Xp11.22.
Variant type: single nucleotide variant.
Coding change: c.2929A>G on transcript NM_031407.7 (MANE Select); coding-DNA position 2929, A replaced by G.
Protein change: p.Lys977Glu; replaces lysine 977 with glutamic acid.
Molecular consequence: missense variant.
Genome position (GRCh38, 1-based): chrX:53,602,606, T>C on the plus strand (A>G on the coding strand, the complement: HUWE1 is on the minus strand). VCF-style: chrX-53602606-T-C. GRCh37 (hg19) VCF-style: chrX-53629567-T-C.
Other names: short protein forms K977E.
Identifiers: ClinVar variation 450635 (VCV000450635.4), dbSNP rs1556992080, ClinGen allele CA413180269.
Genomic context (GRCh38, chrX:53,602,606, plus strand): 5'-TTAGTTTCTTAGAGTTACCTGATCTTTTTCCGCCCTGGGTCGTACCTGCCTTCTCATCCT[T>C]TGGAACCAGTTTCTGCATATCTGCCTGGCCAAATTCACACCCAGATGGTAGGCTGCAAAA-3'
Protein context (NP_113584.3, residues 967-987): GQADMQKLVP[Lys977Glu]DEKAGTTQGG

ClinVar aggregate classification (germline): Uncertain significance. Review status: criteria provided, multiple submitters, no conflicts (2 of 4 stars). 3 submissions from 3 submitters: Uncertain significance (3). Last evaluated 2024-09-27.

Conditions:
Intellectual developmental disorder, X-linked, syndromic, Turner type. Also called: X-linked intellectual disability, Turner type; Intellectual disability, X-linked syndromic, Turner type. Identifiers: Orphanet 3056, Orphanet 85328, MedGen C2678046, MONDO:0010407, OMIM 309590.

Submissions (3):

Blueprint Genetics
Classification: Uncertain significance. Last evaluated: 2024-09-27. Review status: criteria provided, single submitter. Criteria: ACMG Guidelines, 2015. Collection method: clinical testing. Allele origin: germline.

Revvity Omics, Revvity
Classification: Uncertain significance for Intellectual developmental disorder, X-linked, syndromic, Turner type. Last evaluated: 2023-09-21. Review status: criteria provided, single submitter. Criteria: ACMG Guidelines, 2015. Collection method: clinical testing. Allele origin: germline.

GeneDx
Classification: Uncertain significance. Last evaluated: 2017-07-17. Review status: criteria provided, single submitter. Criteria: GeneDx Variant Classification (06012015). Collection method: clinical testing. Allele origin: germline. Affected: yes.
Comment: The K977E variant in the HUWE1 gene has not been reported previously as a pathogenic variant, nor as a benign variant, to our knowledge. This variant is not observed in large population cohorts (Lek et al., 2016; 1000 Genomes Consortium et al., 2015; Exome Variant Server). The K977E variant is a non-conservative amino acid substitution, which is likely to impact secondary protein structure as these residues differ in polarity, charge, size and/or other properties. In addition, this substitution occurs at a position that is conserved across species. However, in silico analysis is inconsistent in its predictions as to whether or not the variant is damaging to the protein structure/function. We interpret K977E as a variant of uncertain significance.